The following is an entry in ClinVar:

ClinVar aggregate classification (germline): Uncertain significance. Review status: criteria provided, multiple submitters, no conflicts (2 of 4 stars). 4 submissions from 4 submitters: Uncertain significance (4). Last evaluated 2024-12-27.

Conditions:
Inborn genetic diseases. Identifiers: MedGen C0950123, MeSH D030342.
Deafness-lymphedema-leukemia syndrome. Also called: Emberger syndrome; Lymphedema, primary, with myelodysplasia. Identifiers: Orphanet 3226, MedGen C3279664, MONDO:0013540, OMIM 614038.
Monocytopenia with susceptibility to infections. Also called: GATA2 DEFICIENCY; MONOCYTOPENIA AND MYCOBACTERIAL INFECTION SYNDROME; MONOCYTOPENIA WITH SUSCEPTIBILITY TO MYCOBACTERIAL, FUNGAL, AND PAPILLOMAVIRUS INFECTIONS AND MYELODYSPLASIA; COMBINED IMMUNODEFICIENCY WITH SUSCEPTIBILITY TO MYCOBACTERIAL, VIRAL, AND FUNGAL INFECTIONS; Dendritic cell, monocyte, B lymphocyte, and natural killer lymphocyte deficiency; IMMUNODEFICIENCY 21. Identifiers: Orphanet 228423, MedGen C3280030, MONDO:0013607, OMIM 614172.

Allele frequency attached by ClinVar (database versions not stated): gnomAD exomes below 0.00001 and 0.00003; TOPMed below 0.00001.
gnomAD v4.1: 48 of 1,614,194 alleles (0.003%); highest among the groups gnomAD compares: Non-Finnish European, 0.004%; no homozygotes.

Submissions (4):

GeneDx
Classification: Uncertain significance. Last evaluated: 2024-12-27. Review status: criteria provided, single submitter. Criteria: GeneDx Variant Classification Process June 2021. Collection method: clinical testing. Allele origin: germline. Affected: yes.
Comment: Not observed at significant frequency in large population cohorts (gnomAD); In silico analysis indicates that this missense variant does not alter protein structure/function; Has not been previously published as pathogenic or benign to our knowledge; This variant is associated with the following publications: (PMID: 23560626)

Ambry Genetics
Classification: Uncertain significance for Inborn genetic diseases. Last evaluated: 2024-12-06. Review status: criteria provided, single submitter. Criteria: Ambry Variant Classification Scheme 2023. Collection method: clinical testing. Allele origin: germline.
Comment: The p.A203P variant (also known as c.607G>C), located in coding exon 2 of the GATA2 gene, results from a G to C substitution at nucleotide position 607. The alanine at codon 203 is replaced by proline, an amino acid with highly similar properties. This variant was reported in an acute myeloid leukemia cohort; however, germline origin was not confirmed (Green CL et al. Br J Haematol, 2013 Jun;161:701-705). This amino acid position is well conserved in available vertebrate species. In addition, the in silico prediction for this alteration is inconclusive. Based on the available evidence, the clinical significance of this variant remains unclear.

Labcorp Genetics (formerly Invitae), Labcorp
Classification: Uncertain significance for Monocytopenia with susceptibility to infections; Deafness-lymphedema-leukemia syndrome. Last evaluated: 2024-10-10. Review status: criteria provided, single submitter. Criteria: Invitae Variant Classification Sherloc (09022015). Collection method: clinical testing. Allele origin: germline.
Comment: This sequence change replaces alanine, which is neutral and non-polar, with proline, which is neutral and non-polar, at codon 203 of the GATA2 protein (p.Ala203Pro). This variant is present in population databases (no rsID available, gnomAD 0.003%). This missense change has been observed in individual(s) with acute myeloid leukemia (PMID: 23560626). ClinVar contains an entry for this variant (Variation ID: 899821). Invitae Evidence Modeling of protein sequence and biophysical properties (such as structural, functional, and spatial information, amino acid conservation, physicochemical variation, residue mobility, and thermodynamic stability) indicates that this missense variant is not expected to disrupt GATA2 protein function with a negative predictive value of 95%. In summary, the available evidence is currently insufficient to determine the role of this variant in disease. Therefore, it has been classified as a Variant of Uncertain Significance.

Illumina Laboratory Services, Illumina
Classification: Uncertain significance for Deafness-lymphedema-leukemia syndrome. Last evaluated: 2018-01-13. Review status: criteria provided, single submitter. Criteria: ICSL Variant Classification Criteria 13 December 2019. Collection method: clinical testing. Allele origin: germline.

Literature cited by the submitters: PubMed 23560626 (cited by Ambry Genetics and Labcorp Genetics (formerly Invitae), Labcorp).

NM_032638.5(GATA2):c.607G>C (p.Ala203Pro)

Gene: GATA2 (GATA binding protein 2; minus strand). Cytogenetic location: 3q21.3.
Variant type: single nucleotide variant.
Coding change: c.607G>C on transcript NM_032638.5 (MANE Select); coding-DNA position 607, G replaced by C.
Protein change: p.Ala203Pro; replaces alanine 203 with proline.
Molecular consequence: missense variant.
Genome position (GRCh38, 1-based): chr3:128,485,991, C>G on the plus strand (G>C on the coding strand, the complement: GATA2 is on the minus strand). VCF-style: chr3-128485991-C-G. GRCh37 (hg19) VCF-style: chr3-128204834-C-G.
Other names: c.607G>C, p.Ala203Pro (NM_001145661.2, NM_001145662.1); short protein forms A203P.
Identifiers: ClinVar variation 899821 (VCV000899821.13), dbSNP rs1353988929, ClinGen allele CA354406428.